The following is an entry in ClinVar:

NM_001042492.3(NF1):c.7841A>G (p.Lys2614Arg)

Gene: NF1 (neurofibromin 1; plus strand). Cytogenetic location: 17q11.2.
Variant type: single nucleotide variant.
Coding change: c.7841A>G on transcript NM_001042492.3 (MANE Select); coding-DNA position 7841, A replaced by G.
Protein change: p.Lys2614Arg; replaces lysine 2614 with arginine.
Molecular consequence: missense variant.
Genome position (GRCh38, 1-based): chr17:31,357,062, A>G. VCF-style: chr17-31357062-A-G. GRCh37 (hg19) VCF-style: chr17-29684080-A-G.
Other names: c.7778A>G, p.Lys2593Arg (NM_000267.4); short protein forms K2593R, K2614R.
Identifiers: ClinVar variation 141112 (VCV000141112.20), dbSNP rs587781502, ClinGen allele CA164492.
Genomic context (GRCh38, chr17:31,357,062, plus strand): 5'-GTAAAGTTTCAGTGTCTGAATCAAATGTTCTCTTGGATGAAGAAGTACTTACTGATCCGA[A>G]GATCCAGGCGCTGCTTCTTACTGTTCTAGTAAGGATTTCCCCTTTTTGAGTCCCCCACCC-3'
Protein context (NP_001035957.1, residues 2604-2624): LLDEEVLTDP[Lys2614Arg]IQALLLTVLA

ClinVar aggregate classification (germline): Conflicting classifications of pathogenicity. Review status: criteria provided, conflicting classifications (1 of 4 stars). 8 submissions from 7 submitters: Uncertain significance (4); Benign (1); Likely benign (3). Last evaluated 2026-01-13.

Conditions:
Hereditary cancer-predisposing syndrome. Also called: Neoplastic Syndromes, Hereditary; Hereditary Cancer Syndrome; Tumor predisposition; Hereditary neoplastic syndrome. Identifiers: Orphanet 140162, MedGen C0027672, MeSH D009386, MONDO:0015356.
Cardiovascular phenotype. Identifiers: MedGen CN230736.
Neurofibromatosis, type 1 (NF1). Also called: VON RECKLINGHAUSEN DISEASE; Peripheral type neurofibromatosis; NEUROFIBROMATOSIS, TYPE I, SOMATIC; Neurofibromatosis, type I. Identifiers: Orphanet 636, MedGen C0027831, MONDO:0018975, OMIM 162200. Disease mechanism: loss of function.

Allele frequency attached by ClinVar (database versions not stated): ExAC 0.00001; gnomAD 0.00001; gnomAD exomes 0.00002 and 0.00004; TOPMed 0.00003.
gnomAD v4.1: 32 of 1,613,702 alleles (0.002%); highest among the groups gnomAD compares: East Asian, 0.0045%; no homozygotes.

Submissions (8):

Labcorp Genetics (formerly Invitae), Labcorp
Classification: Likely benign for Neurofibromatosis, type 1. Last evaluated: 2026-01-13. Review status: criteria provided, single submitter. Criteria: Invitae Variant Classification Sherloc (09022015). Collection method: clinical testing. Allele origin: germline.

Institute for Biomarker Research, Medical Diagnostic Laboratories, L.L.C.
Classification: Uncertain significance for Hereditary cancer-predisposing syndrome. Last evaluated: 2025-08-18. Review status: criteria provided, single submitter. Criteria: ACMG Guidelines, 2015. Collection method: clinical testing. Allele origin: germline.
Comment: The missense variant NM_000267.3(NF1):c.7778A>G (p.Lys2593Arg) has not been reported previously as a pathogenic variant, to our knowledge. There is a small physicochemical difference between lysine and arginine, which is not likely to impact secondary protein structure as these residues share similar properties. The gene NF1 has a low rate of benign missense variation as indicated by a high missense variants Z-Score of 8.41. The gene NF1 contains 614 pathogenic missense variants, indicating that missense variants are a common mechanism of disease in this gene. For these reasons, this variant has been classified as Uncertain Significance.

Blueprint Genetics
Classification: Benign. Last evaluated: 2024-09-17. Review status: criteria provided, single submitter. Criteria: ACMG Guidelines, 2015. Collection method: clinical testing. Allele origin: germline.

Women's Health and Genetics/Laboratory Corporation of America, LabCorp
Classification: Uncertain significance. Last evaluated: 2023-08-01. Review status: criteria provided, single submitter. Criteria: LabCorp Variant Classification Summary - May 2015. Collection method: clinical testing. Allele origin: germline.
Comment: Variant summary: NF1 c.7778A>G (p.Lys2593Arg) results in a conservative amino acid change in the encoded protein sequence. Four of five in-silico tools predict a benign effect of the variant on protein function. The variant allele was found at a frequency of 5.1e-05 in 276090 control chromosomes (gnomAD, Momozawa_2018). This frequency is not significantly higher than estimated for a pathogenic variant in NF1 causing Neurofibromatosis Type 1 (5.1e-05 vs 0.00021), allowing no conclusion about variant significance. c.7778A>G has been reported in the literature in individuals affected with Breast Cancer (Dorling_2021) and Biliary Tract Cancer (Okawa_2023) without evidence for causality. These reports do not provide unequivocal conclusions about association of the variant with Neurofibromatosis Type 1. To our knowledge, no experimental evidence demonstrating an impact on protein function has been reported. The following publications have been ascertained in the context of this evaluation (PMID: 30287823, 33471991, 36243179). Five ClinVar submitters have assessed the variant since 2014: two classified the variant as uncertain significance and three as likely benign. Based on the evidence outlined above, the variant was classified as uncertain significance.

GeneDx
Classification: Uncertain significance. Last evaluated: 2022-09-23. Review status: criteria provided, single submitter. Criteria: GeneDx Variant Classification Process June 2021. Collection method: clinical testing. Allele origin: germline. Affected: yes.
Comment: In silico analysis supports that this missense variant does not alter protein structure/function; Has not been observed in patients with NF1-related features to our knowledge, but has been reported in a control cohort for a case-control study of breast cancer (Momozawa et al., 2018); This variant is associated with the following publications: (PMID: 30287823, 25486365)

Sema4
Classification: Likely benign for Hereditary cancer-predisposing syndrome. Last evaluated: 2021-08-25. Review status: criteria provided, single submitter. Criteria: Sema4 Curation Guidelines. Collection method: curation. Allele origin: germline.

Ambry Genetics
Classification: Likely benign for Cardiovascular phenotype; Hereditary cancer-predisposing syndrome. Last evaluated: 2020-10-21. Review status: criteria provided, single submitter. Criteria: Ambry Variant Classification Scheme 2023. Collection method: clinical testing. Allele origin: germline.

Ambry Genetics
Classification: Uncertain significance for Hereditary cancer-predisposing syndrome. Last evaluated: 2015-10-30. Review status: criteria provided, single submitter. Criteria: Ambry Autosomal Dominant and X-Linked criteria (10/2015). Collection method: clinical testing. Allele origin: germline. Observed: 1 variant allele.
Comment: The p.K2614R variant (also known as c.7841A>G), located in coding exon 53 of the NF1 gene, results from an A to G substitution at nucleotide position 7841. The lysine at codon 2614 is replaced by arginine, an amino acid with highly similar properties. This variant was not reported in population based cohorts in the following databases: Database of Single Nucleotide Polymorphisms (dbSNP), NHLBI Exome Sequencing Project (ESP), and 1000 Genomes Project. In the ESP, this variant was not observed in 6503 samples (13006 alleles) with coverage at this position. To date, this alteration has been detected with an allele frequency of approximately 0.003% (greater than 110000alleles tested) in our clinical cohort.This amino acid position is highly conserved in available vertebrate species. In addition, the in silico prediction for this alteration is inconclusive.Since supporting evidence is limited at this time, the clinical significance of p.K2614Rremains unclear.

Literature cited by the submitters: PubMed 10678181 (cited by Women's Health and Genetics/Laboratory Corporation of America, LabCorp); PubMed 23460398 (cited by Women's Health and Genetics/Laboratory Corporation of America, LabCorp); PubMed 29872168 (cited by Women's Health and Genetics/Laboratory Corporation of America, LabCorp); PubMed 30287823 (cited by Women's Health and Genetics/Laboratory Corporation of America, LabCorp); PubMed 33471991 (cited by Women's Health and Genetics/Laboratory Corporation of America, LabCorp and Sema4); PubMed 36243179 (cited by Women's Health and Genetics/Laboratory Corporation of America, LabCorp); PubMed 27069254 (cited by Women's Health and Genetics/Laboratory Corporation of America, LabCorp).